The following is an entry in ClinVar:

NM_014141.6(CNTNAP2):c.2336G>C (p.Gly779Ala)

Gene: CNTNAP2 (contactin associated protein 2; plus strand). Cytogenetic location: 7q35.
Variant type: single nucleotide variant.
Coding change: c.2336G>C on transcript NM_014141.6 (MANE Select); coding-DNA position 2336, G replaced by C.
Protein change: p.Gly779Ala; replaces glycine 779 with alanine.
Molecular consequence: missense variant.
Genome position (GRCh38, 1-based): chr7:147,977,942, G>C. VCF-style: chr7-147977942-G-C. GRCh37 (hg19) VCF-style: chr7-147675034-G-C.
Other names: c.2336G>C (NM_014141.5); short protein forms G779A.
Identifiers: ClinVar variation 1406456 (VCV001406456.31), dbSNP rs200413148, ClinGen allele CA369927719.
Genomic context (GRCh38, chr7:147,977,942, plus strand): 5'-TATCATACAAAGATCACCTGCCAGTGAGCCAAGTGGTGGTTGGAGATACTGACCGTCAAG[G>C]CTCAGAAGCCAAATTGAGCGTAGGTCCTCTGCGCTGCCAAGGAGACAGTAAGTTTGCATA-3'
Protein context (NP_054860.1, residues 769-789): QVVVGDTDRQ[Gly779Ala]SEAKLSVGPL

ClinVar aggregate classification (germline): Uncertain significance. Review status: criteria provided, multiple submitters, no conflicts (2 of 4 stars). 3 submissions from 3 submitters: Uncertain significance (3). Last evaluated 2023-09-01.

Conditions:
Cortical dysplasia-focal epilepsy syndrome (PTHSL1). Also called: Pitt-Hopkins-like syndrome 1. Identifiers: Orphanet 163681, Orphanet 221150, MedGen C2750246, MONDO:0012400, OMIM 610042.
Inborn genetic diseases. Identifiers: MedGen C0950123, MeSH D030342.

Allele frequency attached by ClinVar (database versions not stated): gnomAD exomes below 0.00001.
gnomAD v4.1: 2 of 1,614,086 alleles (0.00012%); highest among the groups gnomAD compares: Middle Eastern, 0.017%; no homozygotes.

Submissions (3):

CeGaT Center for Human Genetics Tuebingen
Classification: Uncertain significance. Last evaluated: 2023-09-01. Review status: criteria provided, single submitter. Criteria: CeGaT Center For Human Genetics Tuebingen Variant Classification Criteria Version 2. Collection method: clinical testing. Allele origin: germline. Affected: yes. Observed: 1 variant allele.
Comment: CNTNAP2: PM2, BP4

Ambry Genetics
Classification: Uncertain significance for Inborn genetic diseases. Last evaluated: 2021-08-09. Review status: criteria provided, single submitter. Criteria: Ambry Variant Classification Scheme 2023. Collection method: clinical testing. Allele origin: germline.

Labcorp Genetics (formerly Invitae), Labcorp
Classification: Uncertain significance for Cortical dysplasia-focal epilepsy syndrome. Last evaluated: 2021-07-20. Review status: criteria provided, single submitter. Criteria: Invitae Variant Classification Sherloc (09022015). Collection method: clinical testing. Allele origin: germline.
Comment: This sequence change replaces glycine with alanine at codon 779 of the CNTNAP2 protein (p.Gly779Ala). The glycine residue is highly conserved and there is a small physicochemical difference between glycine and alanine. In summary, the available evidence is currently insufficient to determine the role of this variant in disease. Therefore, it has been classified as a Variant of Uncertain Significance. Algorithms developed to predict the effect of missense changes on protein structure and function are either unavailable or do not agree on the potential impact of this missense change (SIFT: "Deleterious"; PolyPhen-2: "Benign"; Align-GVGD: "Class C55"). This variant has not been reported in the literature in individuals affected with CNTNAP2-related conditions. This variant is not present in population databases (ExAC no frequency).